The following is an entry in ClinVar:

ClinVar aggregate classification (germline): Uncertain significance (1 of 4 stars; one submission).

gnomAD v4.1: 1 of 1,614,254 alleles (0.000062%); highest among the groups gnomAD compares: South Asian, 0.0011%; no homozygotes.

Submission:

Dasa
Classification: Uncertain significance. Last evaluated: 2026-03-16. Review status: criteria provided, single submitter. Criteria: DASA Assertion Criteria. Collection method: clinical testing. Allele origin: germline.
Comment: NM_003128.3(SPTBN1):c.5703G>C (p.Glu1901Asp) is a missense variant that results in the substitution of glutamic acid with aspartic acid. This variant is rare in population databases. Computational prediction algorithms are consistent with a benign effect. The currently available literature and clinical evidence are not sufficient to establish a definitive association between this variant and the reported condition. Therefore, this variant is classified as a variant of uncertain significance.

NM_003128.3(SPTBN1):c.5703G>C (p.Glu1901Asp)

Gene: SPTBN1 (spectrin beta, non-erythrocytic 1; plus strand). Cytogenetic location: 2p16.2.
Variant type: single nucleotide variant.
Coding change: c.5703G>C on transcript NM_003128.3 (MANE Select); coding-DNA position 5703, G replaced by C.
Protein change: p.Glu1901Asp; replaces glutamic acid 1901 with aspartic acid.
Molecular consequence: missense variant.
Genome position (GRCh38, 1-based): chr2:54,653,734, G>C. VCF-style: chr2-54653734-G-C. GRCh37 (hg19) VCF-style: chr2-54880871-G-C.
Other names: c.5664G>C, p.Glu1888Asp (NM_178313.3); short protein forms E1888D, E1901D.
Identifiers: ClinVar variation 4881903 (VCV004881903.2).